The following is an entry in ClinVar:

ClinVar aggregate classification (germline): Benign/Likely benign. Review status: criteria provided, multiple submitters, no conflicts (2 of 4 stars). 2 submissions from 2 submitters: Benign (1); Likely benign (1). Last evaluated 2025-08-30.

Conditions:
BAP1-related tumor predisposition syndrome (TPDS1). Also called: Tumor susceptibility linked to germline BAP1 mutations; COMMON Syndrome; BAP1 tumor predisposition syndrome; TUMOR PREDISPOSITION SYNDROME 1. Identifiers: Orphanet 289539, MedGen C3280492, MONDO:0013692, OMIM 614327.
Hereditary cancer-predisposing syndrome. Also called: Neoplastic Syndromes, Hereditary; Tumor predisposition; Hereditary Cancer Syndrome; Hereditary neoplastic syndrome. Identifiers: Orphanet 140162, MedGen C0027672, MeSH D009386, MONDO:0015356.

Submissions (2):

Ambry Genetics
Classification: Likely benign for Hereditary cancer-predisposing syndrome. Last evaluated: 2025-08-30. Review status: criteria provided, single submitter. Criteria: Ambry Variant Classification Scheme 2023. Collection method: clinical testing. Allele origin: germline.

Myriad Genetics, Inc.
Classification: Benign for BAP1-related tumor predisposition syndrome. Last evaluated: 2024-07-12. Review status: criteria provided, single submitter. Criteria: Myriad Autosomal Dominant, Autosomal Recessive and X-Linked Classification Criteria (2023). Collection method: clinical testing. Allele origin: unknown.
Comment: This variant is considered benign. This variant is a silent/synonymous amino acid change and it is not expected to impact splicing.

NM_004656.4(BAP1):c.540C>T (p.Leu180=)

Gene: BAP1 (BRCA1 associated deubiquitinase 1; minus strand). Cytogenetic location: 3p21.1.
Variant type: single nucleotide variant.
Coding change: c.540C>T on transcript NM_004656.4 (MANE Select); coding-DNA position 540, C replaced by T.
Protein change: p.Leu180=; no amino-acid change (leucine 180 retained).
Molecular consequence: synonymous variant.
Genome position (GRCh38, 1-based): chr3:52,407,214, G>A on the plus strand (C>T on the coding strand, the complement: BAP1 is on the minus strand). VCF-style: chr3-52407214-G-A. GRCh37 (hg19) VCF-style: chr3-52441230-G-A.
Other names: c.540C>T, p.Leu180= (NM_001410772.1).
Identifiers: ClinVar variation 3379048 (VCV003379048.2).